The following is an entry in ClinVar:

ClinVar aggregate classification (germline): Uncertain significance (1 of 4 stars; one submission).

Allele frequency attached by ClinVar (database versions not stated): gnomAD 0.00001; TOPMed 0.00001.
gnomAD v4.1: 3 of 1,559,692 alleles (0.00019%); highest among the groups gnomAD compares: African/African-American, 0.0041%; no homozygotes.

Submission:

GeneDx
Classification: Uncertain significance. Last evaluated: 2025-11-07. Review status: criteria provided, single submitter. Criteria: GeneDx Variant Classification Process June 2021. Collection method: clinical testing. Allele origin: germline. Affected: yes.
Comment: Not observed at significant frequency in large population cohorts (gnomAD); In silico analysis supports that this missense variant has a deleterious effect on protein structure/function; Has not been previously published as pathogenic or benign to our knowledge

NM_001077350.3(NPRL3):c.995A>C (p.Asn332Thr)

Genes: HBA-LCR (alpha-globin locus control region; plus strand), NPRL3 (NPR3 like, GATOR1 complex subunit; minus strand). Cytogenetic location: 16p13.3.
Variant type: single nucleotide variant.
Coding change: c.995A>C on transcript NM_001077350.3 (MANE Select); coding-DNA position 995, A replaced by C.
Protein change: p.Asn332Thr; replaces asparagine 332 with threonine.
Molecular consequence: missense variant.
Genome position (GRCh38, 1-based): chr16:93,255, T>G on the plus strand (A>C on the coding strand, the complement: NPRL3 is on the minus strand). VCF-style: chr16-93255-T-G. GRCh37 (hg19) VCF-style: chr16-143253-T-G.
Other names: c.761A>C, p.Asn254Thr (NM_001243247.2); c.920A>C, p.Asn307Thr (NM_001243248.2, NM_001243249.2); c.458A>C, p.Asn153Thr (NM_001039476.3); short protein forms N153T, N254T, N307T, N332T.
Identifiers: ClinVar variation 1308949 (VCV001308949.5), dbSNP rs1307437472, ClinGen allele CA394053494.